The following is an entry in ClinVar:

ClinVar aggregate classification (germline): Uncertain significance (1 of 4 stars; one submission).

Conditions:
Leukocyte adhesion deficiency type II. Also called: CDG IIc; Congenital disorder of glycosylation type 2C; CDG 2C; Leukocyte adhesion deficiency type 2; Rambam Hasharon syndrome; CONGENITAL DISORDER OF GLYCOSYLATION, TYPE IIc. Identifiers: Orphanet 2968, Orphanet 99843, MedGen C0398739, MONDO:0009953, OMIM 266265.

Submission:

Labcorp Genetics (formerly Invitae), Labcorp
Classification: Uncertain significance for Leukocyte adhesion deficiency type II. Last evaluated: 2022-05-06. Review status: criteria provided, single submitter. Criteria: Invitae Variant Classification Sherloc (09022015). Collection method: clinical testing. Allele origin: germline.
Comment: This sequence change replaces glycine, which is neutral and non-polar, with alanine, which is neutral and non-polar, at codon 198 of the SLC35C1 protein (p.Gly198Ala). In summary, the available evidence is currently insufficient to determine the role of this variant in disease. Therefore, it has been classified as a Variant of Uncertain Significance. Algorithms developed to predict the effect of missense changes on protein structure and function (SIFT, PolyPhen-2, Align-GVGD) all suggest that this variant is likely to be disruptive. This variant has not been reported in the literature in individuals affected with SLC35C1-related conditions. This variant is not present in population databases (gnomAD no frequency).

NM_018389.5(SLC35C1):c.593G>C (p.Gly198Ala)

Gene: SLC35C1 (solute carrier family 35 member C1; plus strand). Cytogenetic location: 11p11.2.
Variant type: single nucleotide variant.
Coding change: c.593G>C on transcript NM_018389.5 (MANE Select); coding-DNA position 593, G replaced by C.
Protein change: p.Gly198Ala; replaces glycine 198 with alanine.
Molecular consequence: missense variant.
Genome position (GRCh38, 1-based): chr11:45,810,833, G>C. VCF-style: chr11-45810833-G-C. GRCh37 (hg19) VCF-style: chr11-45832384-G-C.
Other names: c.554G>C, p.Gly185Ala (NM_001145265.2, NM_001145266.2); short protein forms G198A, G185A.
Identifiers: ClinVar variation 2134756 (VCV002134756.4), dbSNP rs1369589257, ClinGen allele CA380205485.